The following is an entry in ClinVar:

NM_001365951.3(KIF1B):c.1607A>C (p.Asn536Thr)

Gene: KIF1B (kinesin family member 1B; plus strand). Cytogenetic location: 1p36.22.
Variant type: single nucleotide variant.
Coding change: c.1607A>C on transcript NM_001365951.3 (MANE Select); coding-DNA position 1607, A replaced by C.
Protein change: p.Asn536Thr; replaces asparagine 536 with threonine.
Molecular consequence: missense variant.
Genome position (GRCh38, 1-based): chr1:10,295,102, A>C. VCF-style: chr1-10295102-A-C. GRCh37 (hg19) VCF-style: chr1-10355160-A-C.
Other names: c.1607A>C, p.Asn536Thr (NM_001365952.1); c.1469A>C, p.Asn490Thr (NM_001365953.1, NM_015074.3, NM_183416.4); short protein forms N490T, N536T.
Identifiers: ClinVar variation 3533918 (VCV003533918.1).
Genomic context (GRCh38, chr1:10,295,102, plus strand): 5'-TCATGGTGCCCTGCTCCAAATTGATCATCTGTAATCTTTTTCAGACCCCACATCTTGTTA[A>C]CCTCAATGAAGACCCACTAATGTCTGAGTGCCTACTTTATTACATCAAAGATGGAATTAC-3'
Protein context (NP_001352880.1, residues 526-546): FSPKKTPHLV[Asn536Thr]LNEDPLMSEC

ClinVar aggregate classification (germline): Uncertain significance (1 of 4 stars; one submission).

Submission:

Ambry Genetics
Classification: Uncertain significance. Last evaluated: 2024-07-02. Review status: criteria provided, single submitter. Criteria: Ambry Variant Classification Scheme 2023. Collection method: clinical testing. Allele origin: germline.
Comment: The p.N490T variant (also known as c.1469A>C), located in coding exon 15 of the KIF1B gene, results from an A to C substitution at nucleotide position 1469. The asparagine at codon 490 is replaced by threonine, an amino acid with similar properties. This amino acid position is conserved. In addition, the in silico prediction for this alteration is inconclusive. Based on the available evidence, the clinical significance of this variant remains unclear.